The following is an entry in ClinVar:

NM_001458.5(FLNC):c.1257C>T (p.Gly419=)

Gene: FLNC (filamin C; plus strand). Cytogenetic location: 7q32.1.
Variant type: single nucleotide variant.
Coding change: c.1257C>T on transcript NM_001458.5 (MANE Select); coding-DNA position 1257, C replaced by T.
Protein change: p.Gly419=; no amino-acid change (glycine 419 retained).
Molecular consequence: synonymous variant.
Genome position (GRCh38, 1-based): chr7:128,838,649, C>T. VCF-style: chr7-128838649-C-T. GRCh37 (hg19) VCF-style: chr7-128478703-C-T.
Other names: c.1257C>T, p.Gly419= (NM_001127487.2).
Identifiers: ClinVar variation 3067746 (VCV003067746.21), dbSNP rs2536622021, ClinGen allele CA457846503.

ClinVar aggregate classification (germline): Likely benign (1 of 4 stars; one submission).

Submission:

CeGaT Center for Human Genetics Tuebingen
Classification: Likely benign. Last evaluated: 2024-03-01. Review status: criteria provided, single submitter. Criteria: CeGaT Center For Human Genetics Tuebingen Variant Classification Criteria Version 2. Collection method: clinical testing. Allele origin: germline. Affected: yes. Observed: 1 variant allele.
Comment: FLNC: PM2:Supporting, BP4, BP7